The following is an entry in ClinVar:

NM_000538.4(RFXAP):c.227A>G (p.Glu76Gly)

Gene: RFXAP (regulatory factor X associated protein; plus strand). Cytogenetic location: 13q13.3.
Variant type: single nucleotide variant.
Coding change: c.227A>G on transcript NM_000538.4 (MANE Select); coding-DNA position 227, A replaced by G.
Protein change: p.Glu76Gly; replaces glutamic acid 76 with glycine.
Molecular consequence: missense variant.
Genome position (GRCh38, 1-based): chr13:36,819,584, A>G. VCF-style: chr13-36819584-A-G. GRCh37 (hg19) VCF-style: chr13-37393721-A-G.
Other names: short protein forms E76G.
Identifiers: ClinVar variation 2766121 (VCV002766121.3), dbSNP rs2500443055, ClinGen allele CA387854018.

ClinVar aggregate classification (germline): Uncertain significance (1 of 4 stars; one submission).

Conditions:
MHC class II deficiency. Also called: Bare lymphocyte syndrome 2; BLS, TYPE II. Identifiers: Orphanet 572, MedGen C5447452, MONDO:0008855.

Submission:

Labcorp Genetics (formerly Invitae), Labcorp
Classification: Uncertain significance for MHC class II deficiency. Last evaluated: 2023-10-05. Review status: criteria provided, single submitter. Criteria: Invitae Variant Classification Sherloc (09022015). Collection method: clinical testing. Allele origin: germline.
Comment: This sequence change replaces glutamic acid, which is acidic and polar, with glycine, which is neutral and non-polar, at codon 76 of the RFXAP protein (p.Glu76Gly). This variant is not present in population databases (gnomAD no frequency). This variant has not been reported in the literature in individuals affected with RFXAP-related conditions. Advanced modeling of protein sequence and biophysical properties (such as structural, functional, and spatial information, amino acid conservation, physicochemical variation, residue mobility, and thermodynamic stability) performed at Invitae indicates that this missense variant is not expected to disrupt RFXAP protein function. In summary, the available evidence is currently insufficient to determine the role of this variant in disease. Therefore, it has been classified as a Variant of Uncertain Significance.